The following is an entry in ClinVar:

ClinVar aggregate classification (germline): Uncertain significance. Review status: criteria provided, multiple submitters, no conflicts (2 of 4 stars). 3 submissions from 3 submitters: Uncertain significance (3). Last evaluated 2025-02-04.

Conditions:
Dyskeratosis congenita, autosomal recessive 5 (DKCB5). Identifiers: MedGen C3554656, MONDO:0014076, OMIM 615190.
Pulmonary fibrosis and/or bone marrow failure, Telomere-related, 3. Also called: PULMONARY FIBROSIS AND/OR BONE MARROW FAILURE SYNDROME, TELOMERE-RELATED, 3. Identifiers: Orphanet 2032, MedGen C4225346, MONDO:0014613, OMIM 616373.
Inborn genetic diseases. Identifiers: MedGen C0950123, MeSH D030342.

Allele frequency attached by ClinVar (database versions not stated): gnomAD exomes 0.00002 and 0.00003; ExAC 0.00001; TOPMed 0.00002; gnomAD 0.00002.
gnomAD v4.1: 38 of 1,612,082 alleles (0.0024%); highest among the groups gnomAD compares: Non-Finnish European, 0.0027%; no homozygotes.

Submissions (3):

Labcorp Genetics (formerly Invitae), Labcorp
Classification: Uncertain significance for Dyskeratosis congenita, autosomal recessive 5; Pulmonary fibrosis and/or bone marrow failure, Telomere-related, 3. Last evaluated: 2025-02-04. Review status: criteria provided, single submitter. Criteria: Invitae Variant Classification Sherloc (09022015). Collection method: clinical testing. Allele origin: germline.
Comment: This sequence change replaces aspartic acid, which is acidic and polar, with asparagine, which is neutral and polar, at codon 1251 of the RTEL1 protein (p.Asp1251Asn). This variant is present in population databases (rs773592856, gnomAD 0.01%). This variant has not been reported in the literature in individuals affected with RTEL1-related conditions. ClinVar contains an entry for this variant (Variation ID: 842116). An algorithm developed to predict the effect of missense changes on protein structure and function outputs the following: PolyPhen-2: "Benign". The asparagine amino acid residue is found in multiple mammalian species, which suggests that this missense change does not adversely affect protein function. In summary, the available evidence is currently insufficient to determine the role of this variant in disease. Therefore, it has been classified as a Variant of Uncertain Significance.

Ambry Genetics
Classification: Uncertain significance for Inborn genetic diseases. Last evaluated: 2024-12-01. Review status: criteria provided, single submitter. Criteria: Ambry Variant Classification Scheme 2023. Collection method: clinical testing. Allele origin: germline.
Comment: The p.D1251N variant (also known as c.3751G>A), located in coding exon 33 of the RTEL1 gene, results from a G to A substitution at nucleotide position 3751. The aspartic acid at codon 1251 is replaced by asparagine, an amino acid with highly similar properties. This amino acid position is conserved. In addition, this alteration is predicted to be tolerated by in silico analysis. Based on the available evidence, the clinical significance of this variant remains unclear.

GeneDx
Classification: Uncertain significance. Last evaluated: 2020-01-07. Review status: criteria provided, single submitter. Criteria: GeneDx Variant Classification Process June 2021. Collection method: clinical testing. Allele origin: germline. Affected: yes.
Comment: In silico analysis, which includes splice predictors and evolutionary conservation, supports that this variant does not alter protein structure/function; Has not been previously published as pathogenic or benign to our knowledge

NM_001283009.2(RTEL1):c.3751G>A (p.Asp1251Asn)

Genes: RTEL1 (regulator of telomere elongation helicase 1; plus strand), RTEL1-TNFRSF6B (RTEL1-TNFRSF6B readthrough (NMD candidate); plus strand). Cytogenetic location: 20q13.33.
Variant type: single nucleotide variant.
Coding change: c.3751G>A on transcript NM_001283009.2 (MANE Select); coding-DNA position 3751, G replaced by A.
Protein change: p.Asp1251Asn; replaces aspartic acid 1251 with asparagine.
Molecular consequence: missense variant. On other transcripts: non-coding transcript variant (1), intron variant (3).
Genome position (GRCh38, 1-based): chr20:63,695,579, G>A. VCF-style: chr20-63695579-G-A. GRCh37 (hg19) VCF-style: chr20-62326932-G-A.
Other names: c.2983+99G>A (NM_001283010.1); c.3724+99G>A (NM_032957.5); c.3652+99G>A (NM_016434.4); short protein forms D1251N.
Identifiers: ClinVar variation 842116 (VCV000842116.8), dbSNP rs773592856, ClinGen allele CA9966174.
Genomic context (GRCh38, chr20:63,695,579, plus strand): 5'-ACGGGAGCTCCGGGCGGGCCCCTCTCAGCAGGCTGTGTGTGCCAGGGCTGTGGGGCAGAG[G>A]ACGTGGTGCCCTTCCAGTGCCCTGCCTGTGACTTCCAGCGCTGCCAAGCCTGCTGGCAAC-3'
Protein context (NP_001269938.1, residues 1241-1261): GCVCQGCGAE[Asp1251Asn]VVPFQCPACD